The following is an entry in ClinVar:

ClinVar aggregate classification (germline): Uncertain significance (1 of 4 stars; one submission).

Conditions:
Autosomal recessive limb-girdle muscular dystrophy type 2J (LGMDR10). Also called: MUSCULAR DYSTROPHY, LIMB-GIRDLE, AUTOSOMAL RECESSIVE 10; Limb-girdle muscular dystrophy, type 2J. Identifiers: Orphanet 140922, MedGen C1837342, MONDO:0012127, OMIM 608807.
Dilated cardiomyopathy 1G (CMD1G). Identifiers: Orphanet 154, MedGen C1858763, MONDO:0011400, OMIM 604145.

Submission:

Labcorp Genetics (formerly Invitae), Labcorp
Classification: Uncertain significance for Dilated cardiomyopathy 1G; Autosomal recessive limb-girdle muscular dystrophy type 2J. Last evaluated: 2025-12-29. Review status: criteria provided, single submitter. Criteria: Invitae Variant Classification Sherloc (09022015). Collection method: clinical testing. Allele origin: germline.
Comment: This sequence change replaces arginine, which is basic and polar, with isoleucine, which is neutral and non-polar, at codon 34482 of the TTN protein (p.Arg34482Ile). This variant is not present in population databases (gnomAD no frequency). This variant has not been reported in the literature in individuals affected with TTN-related conditions. ClinVar contains an entry for this variant (Variation ID: 851417). Experimental studies and prediction algorithms are not available or were not evaluated, and the functional significance of this variant is currently unknown. This variant is located in the M band of TTN (PMID: 25589632). Non-truncating variants in this region may be relevant for neuromuscular disorders, but have not been definitively shown to cause cardiomyopathy (PMID: 23975875). In summary, the available evidence is currently insufficient to determine the role of this variant in disease. Therefore, it has been classified as a Variant of Uncertain Significance.

Literature cited by the submitters: PubMed 25589632; PubMed 23975875.

NM_001267550.2(TTN):c.103445G>T (p.Arg34482Ile)

Genes: TTN-AS1 (TTN antisense RNA 1; plus strand), TTN (titin; minus strand). Cytogenetic location: 2q31.2.
Variant type: single nucleotide variant.
Coding change: c.103445G>T on transcript NM_001267550.2 (MANE Select); coding-DNA position 103445, G replaced by T.
Protein change: p.Arg34482Ile; replaces arginine 34482 with isoleucine.
Molecular consequence: missense variant.
Genome position (GRCh38, 1-based): chr2:178,533,170, C>A on the plus strand (G>T on the coding strand, the complement: TTN is on the minus strand). VCF-style: chr2-178533170-C-A. GRCh37 (hg19) VCF-style: chr2-179397897-C-A.
Other names: c.98522G>T, p.Arg32841Ile (NM_001256850.1); c.76250G>T, p.Arg25417Ile (NM_003319.4); c.95741G>T, p.Arg31914Ile (NM_133378.4); c.76625G>T, p.Arg25542Ile (NM_133432.3); c.76826G>T, p.Arg25609Ile (NM_133437.4); short protein forms R25609I, R31914I, R25417I, R25542I, R32841I, R34482I.
Identifiers: ClinVar variation 851417 (VCV000851417.8), dbSNP rs1689948996, ClinGen allele CA349414258.